The following is an entry in ClinVar:

ClinVar aggregate classification (germline): Uncertain significance (1 of 4 stars; one submission).

Conditions:
Combined oxidative phosphorylation defect type 27. Also called: Combined oxidative phosphorylation deficiency 27. Identifiers: Orphanet 477774, MedGen C5567608, MONDO:0014728, OMIM 616672.

Allele frequency attached by ClinVar (database versions not stated): gnomAD 0.00001; TOPMed 0.00001.
gnomAD v4.1: 8 of 1,514,934 alleles (0.00053%); highest among the groups gnomAD compares: Non-Finnish European, 0.00062%; no homozygotes.

Submission:

Labcorp Genetics (formerly Invitae), Labcorp
Classification: Uncertain significance for Combined oxidative phosphorylation defect type 27. Last evaluated: 2025-02-25. Review status: criteria provided, single submitter. Criteria: Invitae Variant Classification Sherloc (09022015). Collection method: clinical testing. Allele origin: germline.
Comment: This sequence change replaces arginine, which is basic and polar, with proline, which is neutral and non-polar, at codon 40 of the CARS2 protein (p.Arg40Pro). This variant is not present in population databases (gnomAD no frequency). This variant has not been reported in the literature in individuals affected with CARS2-related conditions. ClinVar contains an entry for this variant (Variation ID: 1507287). An algorithm developed to predict the effect of missense changes on protein structure and function (PolyPhen-2) suggests that this variant is likely to be tolerated. In summary, the available evidence is currently insufficient to determine the role of this variant in disease. Therefore, it has been classified as a Variant of Uncertain Significance.

NM_024537.4(CARS2):c.119G>C (p.Arg40Pro)

Genes: CARS2 (cysteinyl-tRNA synthetase 2, mitochondrial; minus strand), LOC130010127 (ATAC-STARR-seq lymphoblastoid silent region 5509; plus strand). Cytogenetic location: 13q34.
Variant type: single nucleotide variant.
Coding change: c.119G>C on transcript NM_024537.4 (MANE Select); coding-DNA position 119, G replaced by C.
Protein change: p.Arg40Pro; replaces arginine 40 with proline.
Molecular consequence: missense variant. On other transcripts: non-coding transcript variant (1), intron variant (1).
Genome position (GRCh38, 1-based): chr13:110,705,975, C>G on the plus strand (G>C on the coding strand, the complement: CARS2 is on the minus strand). VCF-style: chr13-110705975-C-G. GRCh37 (hg19) VCF-style: chr13-111358322-C-G.
Other names: c.119G>C, p.Arg40Pro (NM_001352253.3); c.-776+396G>C (NM_001352252.2); short protein forms R40P.
Identifiers: ClinVar variation 1507287 (VCV001507287.8), dbSNP rs916018424, ClinGen allele CA256331078.